The following is an entry in ClinVar:

ClinVar aggregate classification (germline): Likely pathogenic (1 of 4 stars; one submission).

Conditions:
Microcephaly, normal intelligence and immunodeficiency (NBS). Also called: Ataxia telangiectasia variant V1; IMMUNODEFICIENCY, MICROCEPHALY, AND CHROMOSOMAL INSTABILITY; SEEMANOVA SYNDROME II; Immunodeficiency, microcephaly with normal intelligence; Nijmegen breakage syndrome; Microcephaly with normal intelligence immunodeficiency and lymphoreticular malignancies. Identifiers: Orphanet 647, MedGen C0398791, MONDO:0009623, OMIM 251260.

Submission:

Myriad Genetics, Inc.
Classification: Likely pathogenic for Microcephaly, normal intelligence and immunodeficiency. Last evaluated: 2022-02-25. Review status: criteria provided, single submitter. Criteria: Myriad Women's Health Autosomal Recessive and X-Linked Classification Criteria (2021). Collection method: clinical testing. Allele origin: unknown.
Comment: NM_002485.4(NBN):c.1923delC(D641Efs*16) is expected to be pathogenic in the context of Nijmegen breakage syndrome. This variant is predicted to lead to an abnormal or absent protein product due to the creation of a premature termination codon in NBN, a gene where loss-of-function variants are known to be pathogenic. Please note: this variant was assessed in the context of healthy population screening.

NM_002485.5(NBN):c.1923del (p.Asp641fs)

Gene: NBN (nibrin; minus strand). Cytogenetic location: 8q21.3.
Variant type: Deletion.
Coding change: c.1923del on transcript NM_002485.5 (MANE Select); coding-DNA position 1923, one base deleted (C; older notation c.1923delC).
Protein change: p.Asp641fs; shifts the reading frame from aspartic acid 641.
Molecular consequence: frameshift variant.
Genome position (GRCh38, 1-based): chr8:89,946,287, G deleted on the plus strand (C on the coding strand, the reverse complement: NBN is on the minus strand). VCF-style (leftmost placement, unchanged base first): chr8-89946286-TG-T. GRCh37 (hg19) VCF-style: chr8-90958514-TG-T.
Other names: c.1677del, p.Asp559fs (NM_001024688.3); short protein forms D559fs, D641fs.
Identifiers: ClinVar variation 1724766 (VCV001724766.2), dbSNP rs2488203306, ClinGen allele CA2580079039.
Genomic context (GRCh38, chr8:89,946,286, plus strand): 5'-GTGATCTAAATTCAGTCAATAACAGCTTTTTTGGAAGCATCTCACTATCATCCTGAAGTT[TG>T]TCATTGTTCTTAAATGGGGTTAAGATGGATAGGTAAGAAAGAGAAGAAATAACAAAGAAA-3'